The following is an entry in ClinVar:

ClinVar aggregate classification (germline): Uncertain significance (3 of 4 stars; one submission).

Conditions:
Phenylketonuria (PKU). Also called: FOLLING DISEASE; Phenylketonuria (PKU); OLIGOPHRENIA PHENYLPYRUVICA; Phenylketonurias. Identifiers: Orphanet 716, MedGen C0031485, MONDO:0009861, OMIM 261600. Disease mechanism: loss of function.

Allele frequency attached by ClinVar (database versions not stated): gnomAD exomes below 0.00001.
gnomAD v4.1: 1 of 1,613,864 alleles (0.000062%); highest among the groups gnomAD compares: Non-Finnish European, 0.000085%; no homozygotes.

Submission:

ClinGen PAH Variant Curation Expert Panel
Classification: Uncertain significance for Phenylketonuria. Last evaluated: 2019-11-10. Review status: reviewed by expert panel. Criteria: ClinGen PAH ACMG Specifications v1. Collection method: curation. Allele origin: germline. Inheritance: Autosomal recessive inheritance.
Comment: The c.233A>T (p.Glu78Val) variant in PAH has been reported in a patient with PAH deficiency (BH4 deficiency excluded) (PP4_Moderate; PMID: 26503515) This variant is absent from 1000G, ESP, ExAC and gnomAD (PM2). A deleterious effect is predicted in SIFT, Polyphen-2, MutationTaster, and REVEL=0.824. In summary, this variant meets criteria to be classified as uncertain significance for PAH. PAH-specific ACMG/AMP criteria applied: PP4_Moderate, PM2, PP3.

Literature cited by the submitters: PubMed 26503515.

NM_000277.3(PAH):c.233A>T (p.Glu78Val)

Gene: PAH (phenylalanine hydroxylase; minus strand). Cytogenetic location: 12q23.2.
Variant type: single nucleotide variant.
Coding change: c.233A>T on transcript NM_000277.3 (MANE Select); coding-DNA position 233, A replaced by T.
Protein change: p.Glu78Val; replaces glutamic acid 78 with valine.
Molecular consequence: missense variant.
Genome position (GRCh38, 1-based): chr12:102,894,854, T>A on the plus strand (A>T on the coding strand, the complement: PAH is on the minus strand). VCF-style: chr12-102894854-T-A. GRCh37 (hg19) VCF-style: chr12-103288632-T-A.
Other names: c.233A>T, p.Glu78Val (NM_001354304.2); short protein forms E78V.
Identifiers: ClinVar variation 872831 (VCV000872831.1), dbSNP rs1877431301, ClinGen allele CA16020755.